The following is an entry in ClinVar:

NM_001613.4(ACTA2):c.1058C>A (p.Thr353Asn)

Genes: ACTA2 (actin alpha 2, smooth muscle; minus strand), ACTA2-AS1 (ACTA2 antisense RNA 1; plus strand). Cytogenetic location: 10q23.31.
Variant type: single nucleotide variant.
Coding change: c.1058C>A on transcript NM_001613.4 (MANE Select); coding-DNA position 1058, C replaced by A.
Protein change: p.Thr353Asn; replaces threonine 353 with asparagine.
Molecular consequence: missense variant. On other transcripts: non-coding transcript variant (1).
Genome position (GRCh38, 1-based): chr10:88,935,299, G>T on the plus strand (C>A on the coding strand, the complement: ACTA2 is on the minus strand). VCF-style: chr10-88935299-G-T. GRCh37 (hg19) VCF-style: chr10-90695056-G-T.
Other names: c.1058C>A, p.Thr353Asn (NM_001141945.3, NM_001320855.2, NM_001406462.1 and 2 more transcripts); c.947C>A, p.Thr316Asn (NM_001406466.1); c.929C>A, p.Thr310Asn (NM_001406467.1, NM_001406468.1, NM_001406469.1); c.866C>A, p.Thr289Asn (NM_001406471.1); short protein forms T310N, T316N, T289N, T353N.
Identifiers: ClinVar variation 1779139 (VCV001779139.2), dbSNP rs2494501973, ClinGen allele CA377510494.

ClinVar aggregate classification (germline): Uncertain significance (1 of 4 stars; one submission).

Conditions:
Familial thoracic aortic aneurysm and aortic dissection (TAAD). Also called: Thoracic aortic aneurysms and dissections. Identifiers: Orphanet 91387, MedGen C4707243, MONDO:0019625.

Submission:

Ambry Genetics
Classification: Uncertain significance for Familial thoracic aortic aneurysm and aortic dissection. Last evaluated: 2021-10-06. Review status: criteria provided, single submitter. Criteria: Ambry Variant Classification Scheme 2023. Collection method: clinical testing. Allele origin: germline.
Comment: The p.T353N variant (also known as c.1058C>A), located in coding exon 8 of the ACTA2 gene, results from a C to A substitution at nucleotide position 1058. The threonine at codon 353 is replaced by asparagine, an amino acid with similar properties. This variant has been reported in a family with a history of thoracic aortic aneurysm and dissection (TAAD); however, some carrier family members were unaffected and/or showed only livedo reticularis findings at the time of evaluation (Guo DC et al. Nat Genet, 2007 Dec;39:1488-93). Based on internal structural analysis, p.T353N alters a structural motif and is indicated to impact filament formation and regulation (Ambry internal data). This amino acid position is highly conserved in available vertebrate species. In addition, the in silico prediction for this alteration is inconclusive. Since supporting evidence is limited at this time, the clinical significance of this alteration remains unclear.

Literature cited by the submitters: PubMed 17994018.